The following is an entry in ClinVar:

NM_006231.4(POLE):c.49G>T (p.Gly17Cys)

Genes: POLE (DNA polymerase epsilon, catalytic subunit; minus strand), LOC130009266 (ATAC-STARR-seq lymphoblastoid silent region 5123; plus strand). Cytogenetic location: 12q24.33.
Variant type: single nucleotide variant.
Coding change: c.49G>T on transcript NM_006231.4 (MANE Select); coding-DNA position 49, G replaced by T.
Protein change: p.Gly17Cys; replaces glycine 17 with cysteine.
Molecular consequence: missense variant.
Genome position (GRCh38, 1-based): chr12:132,687,267, C>A on the plus strand (G>T on the coding strand, the complement: POLE is on the minus strand). VCF-style: chr12-132687267-C-A. GRCh37 (hg19) VCF-style: chr12-133263853-C-A.
Other names: short protein forms G17C.
Identifiers: ClinVar variation 2702352 (VCV002702352.3), dbSNP rs1243827536, ClinGen allele CA387373344.

ClinVar aggregate classification (germline): Uncertain significance (1 of 4 stars; one submission).

Submission:

Labcorp Genetics (formerly Invitae), Labcorp
Classification: Uncertain significance. Last evaluated: 2023-12-12. Review status: criteria provided, single submitter. Criteria: Invitae Variant Classification Sherloc (09022015). Collection method: clinical testing. Allele origin: germline.
Comment: This sequence change replaces glycine, which is neutral and non-polar, with cysteine, which is neutral and slightly polar, at codon 17 of the POLE protein (p.Gly17Cys). This variant is not present in population databases (gnomAD no frequency). This variant has not been reported in the literature in individuals affected with POLE-related conditions. An algorithm developed to predict the effect of missense changes on protein structure and function (PolyPhen-2) suggests that this variant is likely to be tolerated. In summary, the available evidence is currently insufficient to determine the role of this variant in disease. Therefore, it has been classified as a Variant of Uncertain Significance.